The following is an entry in ClinVar:

ClinVar aggregate classification (germline): Uncertain significance. Review status: criteria provided, multiple submitters, no conflicts (2 of 4 stars). 2 submissions from 2 submitters: Uncertain significance (2). Last evaluated 2023-05-30.

Conditions:
Hereditary cancer-predisposing syndrome. Also called: Hereditary neoplastic syndrome; Neoplastic Syndromes, Hereditary; Tumor predisposition; Hereditary Cancer Syndrome. Identifiers: Orphanet 140162, MedGen C0027672, MeSH D009386, MONDO:0015356.

Submissions (2):

Ambry Genetics
Classification: Uncertain significance for Hereditary cancer-predisposing syndrome. Last evaluated: 2023-05-30. Review status: criteria provided, single submitter. Criteria: Ambry Variant Classification Scheme 2023. Collection method: clinical testing. Allele origin: germline.
Comment: The p.M438R variant (also known as c.1313T>G), located in coding exon 4 of the MSH6 gene, results from a T to G substitution at nucleotide position 1313. The methionine at codon 438 is replaced by arginine, an amino acid with similar properties. This amino acid position is conserved. In addition, this alteration is predicted to be deleterious by in silico analysis. Since supporting evidence is limited at this time, the clinical significance of this alteration remains unclear.

GeneDx
Classification: Uncertain significance. Last evaluated: 2020-06-30. Review status: criteria provided, single submitter. Criteria: GeneDx Variant Classification Process June 2021. Collection method: clinical testing. Allele origin: germline. Affected: yes.
Comment: Not observed in large population cohorts (Lek 2016); In silico analysis supports that this missense variant has a deleterious effect on protein structure/function; Has not been previously published as pathogenic or benign to our knowledge

NM_000179.3(MSH6):c.1313T>G (p.Met438Arg)

Gene: MSH6 (mutS homolog 6; plus strand). Cytogenetic location: 2p16.3.
Variant type: single nucleotide variant.
Coding change: c.1313T>G on transcript NM_000179.3 (MANE Select); coding-DNA position 1313, T replaced by G.
Protein change: p.Met438Arg; replaces methionine 438 with arginine.
Molecular consequence: missense variant.
Genome position (GRCh38, 1-based): chr2:47,799,296, T>G. VCF-style: chr2-47799296-T-G. GRCh37 (hg19) VCF-style: chr2-48026435-T-G.
Other names: c.923T>G, p.Met308Arg (NM_001281492.2); c.407T>G, p.Met136Arg (NM_001281493.2, NM_001281494.2); short protein forms M136R, M308R, M438R.
Identifiers: ClinVar variation 1320765 (VCV001320765.4), dbSNP rs1558661333, ClinGen allele CA346744385.